The following is an entry in ClinVar:

ClinVar aggregate classification (germline): Uncertain significance. Review status: criteria provided, multiple submitters, no conflicts (2 of 4 stars). 3 submissions from 3 submitters: Uncertain significance (2). 1 of the submissions does not count toward it. Last evaluated 2025-04-24.

Conditions:
Inborn genetic diseases. Identifiers: MedGen C0950123, MeSH D030342.
PTPN23-related disorder. Also called: PTPN23-related condition.

Allele frequency attached by ClinVar (database versions not stated): ESP Exome Variant Server 0.00008; gnomAD exomes 0.00008; ExAC 0.00012; 1000 Genomes Project 30x 0.00016; TOPMed 0.00002; gnomAD 0.00004; 1000 Genomes Project 0.00020.
gnomAD v4.1: 115 of 1,614,146 alleles (0.0071%); highest among the groups gnomAD compares: Non-Finnish European, 0.008%; no homozygotes.

Submissions (3):

Ambry Genetics
Classification: Uncertain significance for Inborn genetic diseases. Last evaluated: 2025-04-24. Review status: criteria provided, single submitter. Criteria: Ambry Variant Classification Scheme 2023. Collection method: clinical testing. Allele origin: germline.

Labcorp Genetics (formerly Invitae), Labcorp
Classification: Uncertain significance. Last evaluated: 2024-10-15. Review status: criteria provided, single submitter. Criteria: Invitae Variant Classification Sherloc (09022015). Collection method: clinical testing. Allele origin: germline.
Comment: This sequence change replaces arginine, which is basic and polar, with histidine, which is basic and polar, at codon 558 of the PTPN23 protein (p.Arg558His). This variant is present in population databases (rs373088928, gnomAD 0.01%). This variant has not been reported in the literature in individuals affected with PTPN23-related conditions. ClinVar contains an entry for this variant (Variation ID: 2182796). Experimental studies and prediction algorithms are not available or were not evaluated, and the functional significance of this variant is currently unknown. In summary, the available evidence is currently insufficient to determine the role of this variant in disease. Therefore, it has been classified as a Variant of Uncertain Significance.

PreventionGenetics, part of Exact Sciences
Classification: Uncertain significance for PTPN23-related condition. Last evaluated: 2024-05-28. Review status: no assertion criteria provided. Collection method: clinical testing. Allele origin: germline. Not counted in ClinVar's aggregate classification.
Comment: The PTPN23 c.1673G>A variant is predicted to result in the amino acid substitution p.Arg558His. To our knowledge, this variant has not been reported in the literature. This variant is reported in 0.012% of alleles in individuals of European (Finnish) descent in gnomAD. At this time, the clinical significance of this variant is uncertain due to the absence of conclusive functional and genetic evidence.

NM_015466.4(PTPN23):c.1673G>A (p.Arg558His)

Gene: PTPN23 (protein tyrosine phosphatase non-receptor type 23; plus strand). Cytogenetic location: 3p21.31.
Variant type: single nucleotide variant.
Coding change: c.1673G>A on transcript NM_015466.4 (MANE Select); coding-DNA position 1673, G replaced by A.
Protein change: p.Arg558His; replaces arginine 558 with histidine.
Molecular consequence: missense variant.
Genome position (GRCh38, 1-based): chr3:47,409,193, G>A. VCF-style: chr3-47409193-G-A. GRCh37 (hg19) VCF-style: chr3-47450683-G-A.
Other names: c.1295G>A, p.Arg432His (NM_001304482.2); c.1673G>A (NM_015466.3, NM_015466.2); short protein forms R558H, R432H.
Identifiers: ClinVar variation 2182796 (VCV002182796.4), dbSNP rs373088928, ClinGen allele CA2365797.